The following is an entry in ClinVar:

NM_000719.7(CACNA1C):c.2905T>G (p.Phe969Val)

Gene: CACNA1C (calcium voltage-gated channel subunit alpha1 C; plus strand). Cytogenetic location: 12p13.33.
Variant type: single nucleotide variant.
Coding change: c.2905T>G on transcript NM_000719.7 (MANE Select); coding-DNA position 2905, T replaced by G.
Protein change: p.Phe969Val; replaces phenylalanine 969 with valine.
Molecular consequence: missense variant.
Genome position (GRCh38, 1-based): chr12:2,601,905, T>G. VCF-style: chr12-2601905-T-G. GRCh37 (hg19) VCF-style: chr12-2711071-T-G.
Other names: c.2965T>G, p.Phe989Val (NM_001129827.2, NM_001129832.2, NM_199460.4); c.2905T>G, p.Phe969Val (NM_001129829.2, NM_001129830.3, NM_001129831.2 and 15 more transcripts); c.2896T>G, p.Phe966Val (NM_001129844.2); short protein forms F966V, F969V, F989V.
Identifiers: ClinVar variation 2635516 (VCV002635516.1), dbSNP rs2517601031, ClinGen allele CA383373084.

ClinVar aggregate classification (germline): Uncertain significance (1 of 4 stars; one submission).

Conditions:
CACNA1C-related disorder. Also called: CACNA1C-related condition; CACNA1C-related disorders. Identifiers: MedGen CN381092, MONDO:0700321.

Submission:

PreventionGenetics, part of Exact Sciences
Classification: Uncertain significance for CACNA1C-related condition. Last evaluated: 2022-12-08. Review status: criteria provided, single submitter. Criteria: ACMG Guidelines, 2015. Collection method: clinical testing. Allele origin: germline.
Comment: The CACNA1C c.2905T>G variant is predicted to result in the amino acid substitution p.Phe969Val. To our knowledge, this variant has not been reported in the literature or in a large population database, indicating this variant is rare. At this time, the clinical significance of this variant is uncertain due to the absence of conclusive functional and genetic evidence.